The following is an entry in ClinVar:

ClinVar aggregate classification (germline): Uncertain significance. Review status: criteria provided, multiple submitters, no conflicts (2 of 4 stars). 5 submissions from 5 submitters: Uncertain significance (4). 1 of the submissions does not count toward it. Last evaluated 2025-12-07.

Conditions:
TTN-related disorder. Also called: TTN-related condition; TTN-related disease; TTN-related disorders.
Cardiomyopathy (CMYO). Also called: Cardiomyopathies. Identifiers: Orphanet 167848, MedGen C0878544, MONDO:0004994, HP:0001638. Inheritance: Various modes of inheritance.
Early-onset myopathy with fatal cardiomyopathy (CMYO5). Also called: Salih Myopathy; CONGENITAL MYOPATHY 5 WITH CARDIOMYOPATHY. Identifiers: Orphanet 289377, MedGen C2673677, MONDO:0012714, OMIM 611705. Disease mechanism: loss of function.

Allele frequency attached by ClinVar (database versions not stated): gnomAD exomes below 0.00001; gnomAD 0.00001; ExAC 0.00002.
gnomAD v4.1: 17 of 1,612,986 alleles (0.0011%); highest among the groups gnomAD compares: East Asian, 0.0045%; no homozygotes.

Submissions (5):

3billion
Classification: Uncertain significance for Early-onset myopathy with fatal cardiomyopathy. Last evaluated: 2025-12-07. Review status: criteria provided, single submitter. Criteria: ACMG Guidelines, 2015. Collection method: clinical testing. Allele origin: germline. Affected: yes.
Comment: The variant is observed at an extremely low frequency in the gnomAD v4.1.0 dataset (total allele frequency: 0.001%). Predicted Consequence/Location: Missense variant. The majority of the known disease-causing variants of this gene are variants expected to result in premature termination of the protein. In silico tools predict the variant to alter splicing and produce an abnormal transcript [SpliceAI: 0.48 (>=0.2, moderate evidence for spliceogenicity)]. The variant has been reported as of uncertain significance (ClinVar ID: VCV002442914). Different missense changes at the same codon have been reported as of uncertain significance (ClinVar ID: VCV001693839). Therefore, this variant is classified as VUS according to the recommendation of ACMG/AMP guideline.

Revvity Omics, Revvity
Classification: Uncertain significance. Last evaluated: 2025-05-27. Review status: criteria provided, single submitter. Criteria: ACMG Guidelines, 2015. Collection method: clinical testing. Allele origin: germline.

GeneDx
Classification: Uncertain significance. Last evaluated: 2024-05-01. Review status: criteria provided, single submitter. Criteria: GeneDx Variant Classification Process June 2021. Collection method: clinical testing. Allele origin: germline. Affected: yes.
Comment: Not observed at significant frequency in large population cohorts (gnomAD); Has not been previously published as pathogenic or benign to our knowledge; In silico analysis suggests this variant may impact gene splicing. In the absence of RNA/functional studies, the actual effect of this sequence change is unknown.

CHEO Genetics Diagnostic Laboratory, Children's Hospital of Eastern Ontario
Classification: Uncertain significance for Cardiomyopathy. Last evaluated: 2021-09-17. Review status: criteria provided, single submitter. Criteria: ACMG Guidelines, 2015. Collection method: clinical testing. Allele origin: germline.

PreventionGenetics, part of Exact Sciences
Classification: Uncertain significance for TTN-related condition. Last evaluated: 2024-06-27. Review status: no assertion criteria provided. Collection method: clinical testing. Allele origin: germline. Not counted in ClinVar's aggregate classification.
Comment: The TTN c.59032A>G variant is predicted to result in the amino acid substitution p.Ile19678Val. To our knowledge, this variant has not been reported in the literature. This variant is reported in 0.0056% of alleles in individuals of East Asian descent in gnomAD. At this time, the clinical significance of this variant is uncertain due to the absence of conclusive functional and genetic evidence.

NM_001267550.2(TTN):c.59032A>G (p.Ile19678Val)

Genes: TTN (titin; minus strand), TTN-AS1 (TTN antisense RNA 1; plus strand). Cytogenetic location: 2q31.2.
Variant type: single nucleotide variant.
Coding change: c.59032A>G on transcript NM_001267550.2 (MANE Select); coding-DNA position 59032, A replaced by G.
Protein change: p.Ile19678Val; replaces isoleucine 19678 with valine.
Molecular consequence: missense variant.
Genome position (GRCh38, 1-based): chr2:178,593,176, T>C on the plus strand (A>G on the coding strand, the complement: TTN is on the minus strand). VCF-style: chr2-178593176-T-C. GRCh37 (hg19) VCF-style: chr2-179457903-T-C.
Other names: c.54109A>G, p.Ile18037Val (NM_001256850.1); c.31837A>G, p.Ile10613Val (NM_003319.4); c.51328A>G, p.Ile17110Val (NM_133378.4); c.32212A>G, p.Ile10738Val (NM_133432.3); c.32413A>G, p.Ile10805Val (NM_133437.4); short protein forms I10613V, I10738V, I10805V, I17110V, I18037V, I19678V.
Identifiers: ClinVar variation 2442914 (VCV002442914.6), dbSNP rs771994374, ClinGen allele CA1992740.